The following is an entry in ClinVar:

NM_001330260.2(SCN8A):c.4469A>G (p.Asn1490Ser)

Gene: SCN8A (sodium voltage-gated channel alpha subunit 8; plus strand). Cytogenetic location: 12q13.13.
Variant type: single nucleotide variant.
Coding change: c.4469A>G on transcript NM_001330260.2 (MANE Select); coding-DNA position 4469, A replaced by G.
Protein change: p.Asn1490Ser; replaces asparagine 1490 with serine.
Molecular consequence: missense variant.
Genome position (GRCh38, 1-based): chr12:51,790,447, A>G. VCF-style: chr12-51790447-A-G. GRCh37 (hg19) VCF-style: chr12-52184231-A-G.
Other names: c.4346A>G, p.Asn1449Ser (NM_001177984.3, NM_001369788.1); c.4469A>G, p.Asn1490Ser (NM_014191.4); short protein forms N1449S, N1490S.
Identifiers: ClinVar variation 3775645 (VCV003775645.1).

ClinVar aggregate classification (germline): Likely pathogenic (1 of 4 stars; one submission).

Conditions:
Developmental and epileptic encephalopathy, 13 (DEE13). Also called: Early infantile epileptic encephalopathy 13; Developmental and Epileptic Encephalopathy (SCN8A-DEE); SCN8A-Related Epilepsy. Identifiers: Orphanet 442835, MedGen C3281191, MONDO:0013801, OMIM 614558.

Submission:

3billion
Classification: Likely pathogenic for Developmental and epileptic encephalopathy, 13. Last evaluated: 2023-10-16. Review status: criteria provided, single submitter. Criteria: ACMG Guidelines, 2015. Collection method: clinical testing. Allele origin: germline. Affected: yes.
Comment: The variant is not observed in the gnomAD v2.1.1 dataset. Predicted Consequence/Location: Missense changes are a common disease-causing mechanism. In silico tool predictions suggest damaging effect of the variant on gene or gene product [REVEL: 0.71 (>=0.6, sensitivity 0.68 and specificity 0.92)]. Same nucleotide change resulting in same amino acid change has been previously reported to be associated with SCN8A related disorder (PMID: 29933521). The variant has been previously reported as de novo in a similarly affected individual (PMID: 29933521). Therefore, this variant is classified as Likely pathogenic according to the recommendation of ACMG/AMP guideline.

Literature cited by the submitters: PubMed 29933521.